The following is an entry in ClinVar:

NM_001985.3(ETFB):c.491G>A (p.Arg164Gln)

Gene: ETFB (electron transfer flavoprotein subunit beta; minus strand). Cytogenetic location: 19q13.41.
Variant type: single nucleotide variant.
Coding change: c.491G>A on transcript NM_001985.3 (MANE Select); coding-DNA position 491, G replaced by A.
Protein change: p.Arg164Gln; replaces arginine 164 with glutamine.
Molecular consequence: missense variant.
Genome position (GRCh38, 1-based): chr19:51,347,006, C>T on the plus strand (G>A on the coding strand, the complement: ETFB is on the minus strand). VCF-style: chr19-51347006-C-T. GRCh37 (hg19) VCF-style: chr19-51850260-C-T.
Other names: c.764G>A, p.Arg255Gln (NM_001014763.1); short protein forms R164Q, R255Q.
Identifiers: ClinVar variation 16716 (VCV000016716.11), dbSNP rs104894677, ClinGen allele CA126841.

ClinVar aggregate classification (germline): Pathogenic/Likely pathogenic. Review status: criteria provided, multiple submitters, no conflicts (2 of 4 stars). 4 submissions from 4 submitters: Pathogenic (1); Likely pathogenic (2). 1 of the submissions does not count toward it. Last evaluated 2025-09-02.

Conditions:
Glutaric acidemia IIb. Also called: ETFB deficiency. Identifiers: MedGen C3278155, MONDO:0700074.
Multiple acyl-CoA dehydrogenase deficiency (MADD). Also called: ETHYLMALONIC-ADIPICACIDURIA; GA II; Glutaric acidemia type II; GA 2; Glutaric aciduria, type 2; Glutaric Acidemia type 2. Identifiers: Orphanet 26791, MedGen C0268596, MONDO:0009282, OMIM 231680.

Allele frequency attached by ClinVar (database versions not stated): gnomAD exomes below 0.00001; TOPMed 0.00001; 1000 Genomes Project 30x 0.00016; 1000 Genomes Project 0.00020.
gnomAD v4.1: 2 of 1,612,912 alleles (0.00012%); highest among the groups gnomAD compares: Admixed American, 0.0017%; no homozygotes.

Submissions (4):

Labcorp Genetics (formerly Invitae), Labcorp
Classification: Pathogenic for Multiple acyl-CoA dehydrogenase deficiency. Last evaluated: 2025-09-02. Review status: criteria provided, single submitter. Criteria: Invitae Variant Classification Sherloc (09022015). Collection method: clinical testing. Allele origin: germline.
Comment: This sequence change replaces arginine, which is basic and polar, with glutamine, which is neutral and polar, at codon 164 of the ETFB protein (p.Arg164Gln). This variant is not present in population databases (gnomAD no frequency). This missense change has been observed in individual(s) with glutaric acidemia type II (PMID: 7912128; internal data). In at least one individual the data is consistent with being in trans (on the opposite chromosome) from a pathogenic variant. It has also been observed to segregate with disease in related individuals. This variant is also known as c.518G>A and p.Arg174Gln. ClinVar contains an entry for this variant (Variation ID: 16716). Invitae Evidence Modeling of protein sequence and biophysical properties (such as structural, functional, and spatial information, amino acid conservation, physicochemical variation, residue mobility, and thermodynamic stability) has been performed for this missense variant. However, the output from this modeling did not meet the statistical confidence thresholds required to predict the impact of this variant on ETFB protein function. This variant disrupts the p.Arg164 amino acid residue in ETFB. Other variant(s) that disrupt this residue have been determined to be pathogenic (PMID: 18289905; internal data). This suggests that this residue is clinically significant, and that variants that disrupt this residue are likely to be disease-causing. For these reasons, this variant has been classified as Pathogenic.

GeneDx
Classification: Likely pathogenic. Last evaluated: 2024-11-05. Review status: criteria provided, single submitter. Criteria: GeneDx Variant Classification Process June 2021. Collection method: clinical testing. Allele origin: germline. Affected: yes.
Comment: In silico analysis supports that this missense variant has a deleterious effect on protein structure/function; Not observed at significant frequency in large population cohorts (gnomAD); This variant is associated with the following publications: (PMID: 20674745, 25719824, 27081516, 27591119, 18289905, 12815589, 2000260, 7912128, 36406819)

Baylor Genetics
Classification: Likely pathogenic for Multiple acyl-CoA dehydrogenase deficiency. Last evaluated: 2023-10-26. Review status: criteria provided, single submitter. Criteria: ACMG Guidelines, 2015. Collection method: clinical testing. Allele origin: unknown.

OMIM
Classification: Pathogenic for GLUTARIC ACIDEMIA IIB. Last evaluated: 1994-03-01. Review status: no assertion criteria provided. Collection method: literature only. Allele origin: germline. Not counted in ClinVar's aggregate classification.

Literature cited by the submitters: PubMed 7912128 (cited by Labcorp Genetics (formerly Invitae), Labcorp and OMIM); PubMed 18289905 (cited by Labcorp Genetics (formerly Invitae), Labcorp).